The following is an entry in ClinVar:

NM_000152.5(GAA):c.626A>G (p.Tyr209Cys)

Gene: GAA (alpha glucosidase; plus strand). Cytogenetic location: 17q25.3.
Variant type: single nucleotide variant.
Coding change: c.626A>G on transcript NM_000152.5 (MANE Select); coding-DNA position 626, A replaced by G.
Protein change: p.Tyr209Cys; replaces tyrosine 209 with cysteine.
Molecular consequence: missense variant.
Genome position (GRCh38, 1-based): chr17:80,105,828, A>G. VCF-style: chr17-80105828-A-G. GRCh37 (hg19) VCF-style: chr17-78079627-A-G.
Other names: c.626A>G, p.Tyr209Cys (NM_001079803.3, NM_001079804.3, NM_001406741.1 and 1 more transcripts); short protein forms Y209C.
Identifiers: ClinVar variation 2901605 (VCV002901605.4), dbSNP rs2039071766, ClinGen allele CA401362366.

ClinVar aggregate classification (germline): Uncertain significance. Review status: criteria provided, multiple submitters, no conflicts (2 of 4 stars). 3 submissions from 3 submitters: Uncertain significance (3). Last evaluated 2025-10-27.

Conditions:
Cardiovascular phenotype. Identifiers: MedGen CN230736.
Glycogen storage disease, type II (IOPD). Also called: POMPE DISEASE, INFANTILE-ONSET; GLYCOGEN STORAGE DISEASE II, INFANTILE-ONSET; ACID ALPHA-GLUCOSIDASE DEFICIENCY, INFANTILE-ONSET; GAA DEFICIENCY, INFANTILE-ONSET; ACID MALTASE DEFICIENCY, INFANTILE-ONSET; Glycogen storage disease type 2. Identifiers: Orphanet 365, MedGen C0017921, MONDO:0009290, OMIM 232300.

Allele frequency attached by ClinVar (database versions not stated): gnomAD exomes below 0.00001; TOPMed below 0.00001; gnomAD 0.00001.
gnomAD v4.1: 3 of 1,610,096 alleles (0.00019%); highest among the groups gnomAD compares: African/African-American, 0.004%; no homozygotes.

Submissions (3):

Myriad Genetics, Inc.
Classification: Uncertain significance for Glycogen storage disease, type II. Last evaluated: 2025-10-27. Review status: criteria provided, single submitter. Criteria: Myriad Autosomal Dominant, Autosomal Recessive and X-Linked Classification Criteria (2023). Collection method: clinical testing. Allele origin: unknown.
Comment: NM_000152.3(GAA):c.626A>G(Y209C) is a missense variant classified as a variant of uncertain significance in the context of Pompe disease. Y209C has not been observed in cases with relevant disease. Relevant functional assessments of this variant are not available in the literature. Y209C has not been observed in referenced population frequency databases. In summary, there is insufficient evidence to classify NM_000152.3(GAA):c.626A>G(Y209C) as pathogenic or benign. Please note: this variant was assessed in the context of healthy population screening.

Labcorp Genetics (formerly Invitae), Labcorp
Classification: Uncertain significance for Glycogen storage disease, type II. Last evaluated: 2024-08-27. Review status: criteria provided, single submitter. Criteria: Invitae Variant Classification Sherloc (09022015). Collection method: clinical testing. Allele origin: germline.
Comment: This sequence change replaces tyrosine, which is neutral and polar, with cysteine, which is neutral and slightly polar, at codon 209 of the GAA protein (p.Tyr209Cys). This variant is not present in population databases (gnomAD no frequency). This variant has not been reported in the literature in individuals affected with GAA-related conditions. Invitae Evidence Modeling of protein sequence and biophysical properties (such as structural, functional, and spatial information, amino acid conservation, physicochemical variation, residue mobility, and thermodynamic stability) indicates that this missense variant is expected to disrupt GAA protein function with a positive predictive value of 95%. In summary, the available evidence is currently insufficient to determine the role of this variant in disease. Therefore, it has been classified as a Variant of Uncertain Significance.

Ambry Genetics
Classification: Uncertain significance for Cardiovascular phenotype. Last evaluated: 2024-08-15. Review status: criteria provided, single submitter. Criteria: Ambry Variant Classification Scheme 2023. Collection method: clinical testing. Allele origin: germline.
Comment: The p.Y209C variant (also known as c.626A>G), located in coding exon 2 of the GAA gene, results from an A to G substitution at nucleotide position 626. The tyrosine at codon 209 is replaced by cysteine, an amino acid with highly dissimilar properties. This amino acid position is well conserved in available vertebrate species. In addition, this alteration is predicted to be deleterious by in silico analysis. Based on the available evidence, the clinical significance of this variant remains unclear.